The following is an entry in ClinVar:

ClinVar aggregate classification (germline): Uncertain significance (1 of 4 stars; one submission).

gnomAD v4.1: 1 of 1,608,956 alleles (0.000062%); highest among the groups gnomAD compares: Non-Finnish European, 0.000085%; no homozygotes.

Submission:

Ambry Genetics
Classification: Uncertain significance. Last evaluated: 2025-12-15. Review status: criteria provided, single submitter. Criteria: Ambry Variant Classification Scheme 2023. Collection method: clinical testing. Allele origin: germline.
Comment: The p.P784S variant (also known as c.2350C>T), located in coding exon 10 of the WNK2 gene, results from a C to T substitution at nucleotide position 2350. The proline at codon 784 is replaced by serine, an amino acid with similar properties. This amino acid position is conserved. In addition, this alteration is predicted to be tolerated by in silico analysis. Based on the available evidence, the clinical significance of this variant remains unclear.

NM_006648.4(WNK2):c.2350C>T (p.Pro784Ser)

Gene: WNK2 (WNK lysine deficient protein kinase 2; plus strand). Cytogenetic location: 9q22.31.
Variant type: single nucleotide variant.
Coding change: c.2350C>T on transcript NM_006648.4 (MANE Select); coding-DNA position 2350, C replaced by T.
Protein change: p.Pro784Ser; replaces proline 784 with serine.
Molecular consequence: missense variant.
Genome position (GRCh38, 1-based): chr9:93,257,107, C>T. VCF-style: chr9-93257107-C-T. GRCh37 (hg19) VCF-style: chr9-96019389-C-T.
Other names: c.2350C>T, p.Pro784Ser (NM_001282394.3); short protein forms P784S.
Identifiers: ClinVar variation 4842075 (VCV004842075.1).